The following is an entry in ClinVar:

NM_000089.4(COL1A2):c.1034T>C (p.Val345Ala)

Gene: COL1A2 (collagen type I alpha 2 chain; plus strand). Cytogenetic location: 7q21.3.
Variant type: single nucleotide variant.
Coding change: c.1034T>C on transcript NM_000089.4 (MANE Select); coding-DNA position 1034, T replaced by C.
Protein change: p.Val345Ala; replaces valine 345 with alanine.
Molecular consequence: missense variant.
Genome position (GRCh38, 1-based): chr7:94,409,820, T>C. VCF-style: chr7-94409820-T-C. GRCh37 (hg19) VCF-style: chr7-94039132-T-C.
Other names: short protein forms V345A.
Identifiers: ClinVar variation 3748481 (VCV003748481.2).

ClinVar aggregate classification (germline): Uncertain significance (1 of 4 stars; one submission).

Conditions:
Ehlers-Danlos syndrome, classic type, 1 (EDSCL1). Also called: EHLERS-DANLOS SYNDROME, GRAVIS TYPE; EHLERS-DANLOS SYNDROME, SEVERE CLASSIC TYPE; Ehlers-Danlos syndrome, type 1; Ehlers-Danlos Syndrome, Classic Type, COL5A1-Related; EDS I. Identifiers: MedGen C0268335, MONDO:0019567, OMIM 130000.
Osteogenesis imperfecta type I (OI1). Also called: OI, TYPE I; OSTEOGENESIS IMPERFECTA TARDA; OSTEOGENESIS IMPERFECTA WITH BLUE SCLERAE; Osteogenesis imperfecta type 1; Lobstein's Disease; Lobstein disease. Identifiers: Orphanet 216796, Orphanet 666, MedGen C0023931, MONDO:0008146, OMIM 166200. Disease mechanism: loss of function.

Submission:

Labcorp Genetics (formerly Invitae), Labcorp
Classification: Uncertain significance for Osteogenesis imperfecta type I; Ehlers-Danlos syndrome, classic type, 1. Last evaluated: 2024-09-16. Review status: criteria provided, single submitter. Criteria: Invitae Variant Classification Sherloc (09022015). Collection method: clinical testing. Allele origin: germline.
Comment: This sequence change replaces valine, which is neutral and non-polar, with alanine, which is neutral and non-polar, at codon 345 of the COL1A2 protein (p.Val345Ala). This variant is not present in population databases (gnomAD no frequency). This variant has not been reported in the literature in individuals affected with COL1A2-related conditions. An algorithm developed to predict the effect of missense changes on protein structure and function outputs the following: PolyPhen-2: "Not Available". The alanine amino acid residue is found in multiple mammalian species, which suggests that this missense change does not adversely affect protein function. In summary, the available evidence is currently insufficient to determine the role of this variant in disease. Therefore, it has been classified as a Variant of Uncertain Significance.